The following is an entry in ClinVar:

NM_003072.5(SMARCA4):c.458C>A (p.Pro153Gln)

Gene: SMARCA4 (SWI/SNF related BAF chromatin remodeling complex subunit ATPase 4; plus strand). Cytogenetic location: 19p13.2.
Variant type: single nucleotide variant.
Coding change: c.458C>A on transcript NM_003072.5 (MANE Select); coding-DNA position 458, C replaced by A.
Protein change: p.Pro153Gln; replaces proline 153 with glutamine.
Molecular consequence: missense variant. On other transcripts: non-coding transcript variant (1).
Genome position (GRCh38, 1-based): chr19:10,986,291, C>A. VCF-style: chr19-10986291-C-A. GRCh37 (hg19) VCF-style: chr19-11096967-C-A.
Other names: c.458C>A, p.Pro153Gln (NM_001128844.3, NM_001128845.2, NM_001128846.2 and 5 more transcripts); c.458C>A (NM_001128849.1); short protein forms P153Q.
Identifiers: ClinVar variation 1401187 (VCV001401187.7), dbSNP rs539710314, ClinGen allele CA404056013.

ClinVar aggregate classification (germline): Uncertain significance. Review status: criteria provided, multiple submitters, no conflicts (2 of 4 stars). 2 submissions from 2 submitters: Uncertain significance (2). Last evaluated 2024-11-15.

Conditions:
Rhabdoid tumor predisposition syndrome 2 (RTPS2). Identifiers: Orphanet 231108, Orphanet 69077, MedGen C2750074, MONDO:0013224, OMIM 613325.
Hereditary cancer-predisposing syndrome. Also called: Hereditary Cancer Syndrome; Hereditary neoplastic syndrome; Tumor predisposition; Neoplastic Syndromes, Hereditary. Identifiers: Orphanet 140162, MedGen C0027672, MeSH D009386, MONDO:0015356.

Submissions (2):

Ambry Genetics
Classification: Uncertain significance for Hereditary cancer-predisposing syndrome. Last evaluated: 2024-11-15. Review status: criteria provided, single submitter. Criteria: Ambry Variant Classification Scheme 2023. Collection method: clinical testing. Allele origin: germline.
Comment: The p.P153Q variant (also known as c.458C>A), located in coding exon 3 of the SMARCA4 gene, results from a C to A substitution at nucleotide position 458. The proline at codon 153 is replaced by glutamine, an amino acid with similar properties. This amino acid position is conserved. In addition, this alteration is predicted to be tolerated by in silico analysis. Based on the available evidence, the clinical significance of this variant remains unclear.

Labcorp Genetics (formerly Invitae), Labcorp
Classification: Uncertain significance for Rhabdoid tumor predisposition syndrome 2. Last evaluated: 2021-11-16. Review status: criteria provided, single submitter. Criteria: Invitae Variant Classification Sherloc (09022015). Collection method: clinical testing. Allele origin: germline.
Comment: In summary, the available evidence is currently insufficient to determine the role of this variant in disease. Therefore, it has been classified as a Variant of Uncertain Significance. Algorithms developed to predict the effect of missense changes on protein structure and function are either unavailable or do not agree on the potential impact of this missense change (SIFT: "Deleterious"; PolyPhen-2: "Benign"; Align-GVGD: "Class C0"). This variant has not been reported in the literature in individuals affected with SMARCA4-related conditions. This variant is not present in population databases (gnomAD no frequency). This sequence change replaces proline, which is neutral and non-polar, with glutamine, which is neutral and polar, at codon 153 of the SMARCA4 protein (p.Pro153Gln).